The following is an entry in ClinVar:

NM_001264.5(CDSN):c.475A>G (p.Ser159Gly)

Genes: CDSN (corneodesmosin; minus strand), PSORS1C1 (psoriasis susceptibility 1 candidate 1; plus strand). Cytogenetic location: 6p21.33.
Variant type: single nucleotide variant.
Coding change: c.475A>G on transcript NM_001264.5 (MANE Select); coding-DNA position 475, A replaced by G.
Protein change: p.Ser159Gly; replaces serine 159 with glycine.
Molecular consequence: missense variant. On other transcripts: intron variant (1).
Genome position (GRCh38, 1-based): chr6:31,117,140, T>C on the plus strand (A>G on the coding strand, the complement: CDSN is on the minus strand). VCF-style: chr6-31117140-T-C. GRCh37 (hg19) VCF-style: chr6-31084917-T-C.
Other names: c.-229+2249T>C (NM_014068.3); short protein forms S159G.
Identifiers: ClinVar variation 1499054 (VCV001499054.29), dbSNP rs142573570, ClinGen allele CA3708489.
Genomic context (GRCh38, chr6:31,117,140, plus strand): 5'-TGGTTGGCAGAGCAGAGCCATTCCCTACTTGGAAGCTGCTGCTGCTGAACTGAAAGCTGC[T>C]GCTGCTGCTCGAATGAGAGCTGCTGCTTCCCGAGTGAGAGCCGCTGTTTCCCGAGTGAGA-3'
Protein context (NP_001255.4, residues 149-169): GSSSSHSSSS[Ser159Gly]SFQFSSSSFQ

ClinVar aggregate classification (germline): Uncertain significance. Review status: criteria provided, multiple submitters, no conflicts (2 of 4 stars). 3 submissions from 3 submitters: Uncertain significance (3). Last evaluated 2026-01-28.

Conditions:
Inborn genetic diseases. Identifiers: MedGen C0950123, MeSH D030342.

Allele frequency attached by ClinVar (database versions not stated): gnomAD exomes 0.00010 and 0.00017; ExAC 0.00017; ESP Exome Variant Server 0.00038; gnomAD 0.00038 and 0.00041; TOPMed 0.00042; 1000 Genomes Project 0.00060; 1000 Genomes Project 30x 0.00062.
gnomAD v4.1: 220 of 1,611,010 alleles (0.014%); highest among the groups gnomAD compares: African/African-American, 0.12%; 1 homozygote.

Submissions (3):

Labcorp Genetics (formerly Invitae), Labcorp
Classification: Uncertain significance. Last evaluated: 2026-01-28. Review status: criteria provided, single submitter. Criteria: Invitae Variant Classification Sherloc (09022015). Collection method: clinical testing. Allele origin: germline.
Comment: This sequence change replaces serine, which is neutral and polar, with glycine, which is neutral and non-polar, at codon 159 of the CDSN protein (p.Ser159Gly). This variant is present in population databases (rs142573570, gnomAD 0.08%). This variant has not been reported in the literature in individuals affected with CDSN-related conditions. ClinVar contains an entry for this variant (Variation ID: 1499054). Invitae Evidence Modeling of protein sequence and biophysical properties (such as structural, functional, and spatial information, amino acid conservation, physicochemical variation, residue mobility, and thermodynamic stability) indicates that this missense variant is not expected to disrupt CDSN protein function with a negative predictive value of 80%. In summary, the available evidence is currently insufficient to determine the role of this variant in disease. Therefore, it has been classified as a Variant of Uncertain Significance.

Ambry Genetics
Classification: Uncertain significance for Inborn genetic diseases. Last evaluated: 2024-03-19. Review status: criteria provided, single submitter. Criteria: Ambry Variant Classification Scheme 2023. Collection method: clinical testing. Allele origin: germline.

CeGaT Center for Human Genetics Tuebingen
Classification: Uncertain significance. Last evaluated: 2022-09-01. Review status: criteria provided, single submitter. Criteria: CeGaT Center For Human Genetics Tuebingen Variant Classification Criteria Version 2. Collection method: clinical testing. Allele origin: germline. Affected: yes. Observed: 1 variant allele.
Comment: CDSN: PM2, PM3:Supporting, BP4